The following is an entry in ClinVar:

NM_001267550.2(TTN):c.90452T>C (p.Leu30151Pro)

Genes: TTN (titin; minus strand), TTN-AS1 (TTN antisense RNA 1; plus strand). Cytogenetic location: 2q31.2.
Variant type: single nucleotide variant.
Coding change: c.90452T>C on transcript NM_001267550.2 (MANE Select); coding-DNA position 90452, T replaced by C.
Protein change: p.Leu30151Pro; replaces leucine 30151 with proline.
Molecular consequence: missense variant.
Genome position (GRCh38, 1-based): chr2:178,552,448, A>G on the plus strand (T>C on the coding strand, the complement: TTN is on the minus strand). VCF-style: chr2-178552448-A-G. GRCh37 (hg19) VCF-style: chr2-179417175-A-G.
Other names: c.85529T>C, p.Leu28510Pro (NM_001256850.1); c.63257T>C, p.Leu21086Pro (NM_003319.4); c.82748T>C, p.Leu27583Pro (NM_133378.4); c.63632T>C, p.Leu21211Pro (NM_133432.3); c.63833T>C, p.Leu21278Pro (NM_133437.4); short protein forms L30151P, L27583P, L28510P, L21211P, L21086P, L21278P.
Identifiers: ClinVar variation 404722 (VCV000404722.46), dbSNP rs568322187, ClinGen allele CA1987788.
Genomic context (GRCh38, chr2:178,552,448, plus strand): 5'-GGCAAGCCATCTTTCAGCCAACTGATGGATGGTTTGGGTTTTCCCTTATAAGGTAATTCA[A>G]GGTGCACATTGTGCCCAATTCTCACAGTGACTTGTGCCCCAGGGATATCTGACAGGTCAA-3'
Protein context (NP_001254479.2, residues 30141-30161): VTVRIGHNVH[Leu30151Pro]ELPYKGKPKP

ClinVar aggregate classification (germline): Uncertain significance. Review status: criteria provided, multiple submitters, no conflicts (2 of 4 stars). 9 submissions from 9 submitters: Uncertain significance (7). 2 of the submissions do not count toward it. Last evaluated 2022-11-01.

Conditions:
Autosomal recessive limb-girdle muscular dystrophy type 2J (LGMDR10). Also called: Limb-girdle muscular dystrophy, type 2J; MUSCULAR DYSTROPHY, LIMB-GIRDLE, AUTOSOMAL RECESSIVE 10. Identifiers: Orphanet 140922, MedGen C1837342, MONDO:0012127, OMIM 608807.
Dilated cardiomyopathy 1G (CMD1G). Identifiers: Orphanet 154, MedGen C1858763, MONDO:0011400, OMIM 604145.
Cardiomyopathy (CMYO). Also called: Cardiomyopathies. Identifiers: Orphanet 167848, MedGen C0878544, MONDO:0004994, HP:0001638. Inheritance: Various modes of inheritance.
TTN-related disorder. Also called: TTN-related condition; TTN-related disease; TTN-related disorders.
Early-onset myopathy with fatal cardiomyopathy (CMYO5). Also called: CONGENITAL MYOPATHY 5 WITH CARDIOMYOPATHY; Salih Myopathy. Identifiers: Orphanet 289377, MedGen C2673677, MONDO:0012714, OMIM 611705. Disease mechanism: loss of function.
Hypertrophic cardiomyopathy 9. Also called: Familial hypertrophic cardiomyopathy 9. Identifiers: MedGen C1861065, MONDO:0013412, OMIM 613765.
Tibial muscular dystrophy (TMD). Also called: Tibial muscular dystrophy, tardive; Udd Distal Myopathy – Tibial Muscular Dystrophy; UDD MYOPATHY. Identifiers: Orphanet 609, MedGen C1838244, MONDO:0010870, OMIM 600334.
Myopathy, myofibrillar, 9, with early respiratory failure (MFM9). Also called: Myopathy, distal, with early respiratory failure, autosomal dominant; Hereditary myopathy with early respiratory failure; MYOPATHY, PROXIMAL, WITH EARLY RESPIRATORY MUSCLE INVOLVEMENT; EDSTROM MYOPATHY. Identifiers: Orphanet 178464, Orphanet 34521, MedGen C1863599, MONDO:0011362, OMIM 603689.

Allele frequency attached by ClinVar (database versions not stated): ExAC 0.00001; gnomAD exomes 0.00001 and 0.00007; TOPMed 0.00002; gnomAD 0.00005.
gnomAD v4.1: 99 of 1,604,862 alleles (0.0062%); highest among the groups gnomAD compares: Non-Finnish European, 0.0082%; no homozygotes.

Submissions (9):

PreventionGenetics, part of Exact Sciences
Classification: Uncertain significance for TTN-related condition. Last evaluated: 2022-11-01. Review status: criteria provided, single submitter. Criteria: ACMG Guidelines, 2015. Collection method: clinical testing. Allele origin: germline.
Comment: The TTN c.90452T>C variant is predicted to result in the amino acid substitution p.Leu30151Pro. To our knowledge, this variant has not been reported in the literature. This variant is reported in 0.0041% of alleles in individuals of African descent in gnomAD. At this time, the clinical significance of this variant is uncertain due to the absence of conclusive functional and genetic evidence.

AiLife Diagnostics
Classification: Uncertain significance. Last evaluated: 2021-12-14. Review status: criteria provided, single submitter. Criteria: ACMG Guidelines, 2015. Collection method: clinical testing. Allele origin: germline. Affected: yes. Observed: 1 variant allele.

Fulgent Genetics
Classification: Uncertain significance for Tibial muscular dystrophy; Myopathy, myofibrillar, 9, with early respiratory failure; Dilated cardiomyopathy 1G; Autosomal recessive limb-girdle muscular dystrophy type 2J; Early-onset myopathy with fatal cardiomyopathy; Hypertrophic cardiomyopathy 9. Last evaluated: 2021-11-03. Review status: criteria provided, single submitter. Criteria: ACMG Guidelines, 2015. Collection method: clinical testing. Allele origin: unknown.

CeGaT Center for Human Genetics Tuebingen
Classification: Uncertain significance. Last evaluated: 2021-09-01. Review status: criteria provided, single submitter. Criteria: CeGaT Center For Human Genetics Tuebingen Variant Classification Criteria Version 2. Collection method: clinical testing. Allele origin: germline. Affected: yes. Observed: 1 variant allele.

CHEO Genetics Diagnostic Laboratory, Children's Hospital of Eastern Ontario
Classification: Uncertain significance for Cardiomyopathy. Last evaluated: 2020-08-31. Review status: criteria provided, single submitter. Criteria: ACMG Guidelines, 2015. Collection method: clinical testing. Allele origin: germline.

Labcorp Genetics (formerly Invitae), Labcorp
Classification: Uncertain significance for Dilated cardiomyopathy 1G; Autosomal recessive limb-girdle muscular dystrophy type 2J. Last evaluated: 2017-12-19. Review status: criteria provided, single submitter. Criteria: Invitae Variant Classification Sherloc (09022015). Collection method: clinical testing. Allele origin: germline.

Eurofins Ntd Llc (ga)
Classification: Uncertain significance. Last evaluated: 2017-06-27. Review status: criteria provided, single submitter. Criteria: EGL Classification Definitions 2015. Collection method: clinical testing. Allele origin: germline. Observed: 1 variant allele, 1 heterozygote.

Clinical Genetics, Academic Medical Center
Classification: Uncertain significance. Review status: no assertion criteria provided. Collection method: clinical testing. Allele origin: germline. Affected: yes. Study: VKGL Data-share Consensus. Not counted in ClinVar's aggregate classification.

Genome Diagnostics Laboratory, University Medical Center Utrecht
Classification: Uncertain significance. Review status: no assertion criteria provided. Collection method: clinical testing. Allele origin: germline. Affected: yes. Study: VKGL Data-share Consensus. Not counted in ClinVar's aggregate classification.